The following is an entry in ClinVar:

NM_205861.3(DHDDS):c.364G>A (p.Gly122Ser)

Gene: DHDDS (dehydrodolichyl diphosphate synthase subunit; plus strand). Cytogenetic location: 1p36.11.
Variant type: single nucleotide variant.
Coding change: c.364G>A on transcript NM_205861.3 (MANE Select); coding-DNA position 364, G replaced by A.
Protein change: p.Gly122Ser; replaces glycine 122 with serine.
Molecular consequence: missense variant. On other transcripts: intron variant (1).
Genome position (GRCh38, 1-based): chr1:26,446,356, G>A. VCF-style: chr1-26446356-G-A. GRCh37 (hg19) VCF-style: chr1-26772847-G-A.
Other names: c.364G>A, p.Gly122Ser (NM_001243564.2, NM_024887.4); c.85G>A, p.Gly29Ser (NM_001319959.2); c.324-1203G>A (NM_001243565.2); c.364G>A (NM_024887.3); short protein forms G122S, G29S.
Identifiers: ClinVar variation 1964291 (VCV001964291.6), dbSNP rs2524555015, ClinGen allele CA339142481.

ClinVar aggregate classification (germline): Uncertain significance. Review status: criteria provided, multiple submitters, no conflicts (2 of 4 stars). 2 submissions from 2 submitters: Uncertain significance (2). Last evaluated 2024-12-26.

Conditions:
Retinitis pigmentosa 59 (RP59). Identifiers: Orphanet 791, MedGen C3151227, MONDO:0013468, OMIM 613861.

Submissions (2):

GeneDx
Classification: Uncertain significance. Last evaluated: 2024-12-26. Review status: criteria provided, single submitter. Criteria: GeneDx Variant Classification Process June 2021. Collection method: clinical testing. Allele origin: germline. Affected: yes.
Comment: Not observed at significant frequency in large population cohorts (gnomAD); In silico analysis supports that this missense variant has a deleterious effect on protein structure/function; Has not been previously published as pathogenic or benign to our knowledge

Labcorp Genetics (formerly Invitae), Labcorp
Classification: Uncertain significance for Retinitis pigmentosa 59. Last evaluated: 2024-01-29. Review status: criteria provided, single submitter. Criteria: Invitae Variant Classification Sherloc (09022015). Collection method: clinical testing. Allele origin: germline.
Comment: This sequence change replaces glycine, which is neutral and non-polar, with serine, which is neutral and polar, at codon 122 of the DHDDS protein (p.Gly122Ser). This variant is not present in population databases (gnomAD no frequency). This variant has not been reported in the literature in individuals affected with DHDDS-related conditions. ClinVar contains an entry for this variant (Variation ID: 1964291). Advanced modeling of protein sequence and biophysical properties (such as structural, functional, and spatial information, amino acid conservation, physicochemical variation, residue mobility, and thermodynamic stability) performed at Invitae indicates that this missense variant is expected to disrupt DHDDS protein function with a positive predictive value of 80%. In summary, the available evidence is currently insufficient to determine the role of this variant in disease. Therefore, it has been classified as a Variant of Uncertain Significance.